The following is an entry in ClinVar:

ClinVar aggregate classification (germline): Uncertain significance (1 of 4 stars; one submission).

Submission:

GeneDx
Classification: Uncertain significance. Last evaluated: 2022-11-16. Review status: criteria provided, single submitter. Criteria: GeneDx Variant Classification Process June 2021. Collection method: clinical testing. Allele origin: germline.
Comment: Frameshift variant predicted to result in protein truncation or nonsense mediated decay in a gene for which loss of function is not a known mechanism of disease; Not observed at significant frequency in large population cohorts (gnomAD); Has not been previously published as pathogenic or benign to our knowledge; Variants in candidate genes are classified as variants of uncertain significance in accordance with ACMG guidelines (Richards et al., 2015)

NM_002332.3(LRP1):c.8202_8203delinsG (p.Cys2734fs)

Gene: LRP1 (LDL receptor related protein 1; plus strand). Cytogenetic location: 12q13.3.
Variant type: Indel.
Coding change: c.8202_8203delinsG on transcript NM_002332.3 (MANE Select); coding-DNA positions 8202 to 8203, CT replaced by G.
Protein change: p.Cys2734fs; shifts the reading frame from cysteine 2734.
Molecular consequence: frameshift variant.
Genome position (GRCh38, 1-based): chr12:57,194,995-57,194,996, CT replaced by G. VCF-style: chr12-57194995-CT-G. GRCh37 (hg19) VCF-style: chr12-57588778-CT-G.
Other names: short protein forms C2734fs.
Identifiers: ClinVar variation 4976628 (VCV004976628.1).